The following is an entry in ClinVar:

NM_032492.4(JAGN1):c.254C>T (p.Ser85Phe)

Gene: JAGN1 (jagunal vesicle mediated transporter 1; plus strand). Cytogenetic location: 3p25.3.
Variant type: single nucleotide variant.
Coding change: c.254C>T on transcript NM_032492.4 (MANE Select); coding-DNA position 254, C replaced by T.
Protein change: p.Ser85Phe; replaces serine 85 with phenylalanine.
Molecular consequence: missense variant.
Genome position (GRCh38, 1-based): chr3:9,893,079, C>T. VCF-style: chr3-9893079-C-T. GRCh37 (hg19) VCF-style: chr3-9934763-C-T.
Other names: c.92C>T, p.Ser31Phe (NM_001363890.1); short protein forms S31F, S85F.
Identifiers: ClinVar variation 4732429 (VCV004732429.1).

ClinVar aggregate classification (germline): Uncertain significance (1 of 4 stars; one submission).

Conditions:
Autosomal recessive severe congenital neutropenia due to JAGN1 deficiency. Also called: Severe congenital neutropenia 6, autosomal recessive. Identifiers: Orphanet 423384, MedGen C4014954, MONDO:0014456, OMIM 616022.

gnomAD v4.1: 39 of 1,613,936 alleles (0.0024%); highest among the groups gnomAD compares: Non-Finnish European, 0.0032%; no homozygotes.

Submission:

Labcorp Genetics (formerly Invitae), Labcorp
Classification: Uncertain significance for Autosomal recessive severe congenital neutropenia due to JAGN1 deficiency. Last evaluated: 2025-10-03. Review status: criteria provided, single submitter. Criteria: Invitae Variant Classification Sherloc (09022015). Collection method: clinical testing. Allele origin: germline.
Comment: This sequence change replaces serine, which is neutral and polar, with phenylalanine, which is neutral and non-polar, at codon 85 of the JAGN1 protein (p.Ser85Phe). This variant is present in population databases (rs758500098, gnomAD 0.002%). This variant has not been reported in the literature in individuals affected with JAGN1-related conditions. An algorithm developed to predict the effect of missense changes on protein structure and function (PolyPhen-2) suggests that this variant is likely to be tolerated. In summary, the available evidence is currently insufficient to determine the role of this variant in disease. Therefore, it has been classified as a Variant of Uncertain Significance.